The following is an entry in ClinVar:

NM_000709.4(BCKDHA):c.838C>T (p.Arg280Cys)

Gene: BCKDHA (branched chain keto acid dehydrogenase E1 subunit alpha; plus strand). Cytogenetic location: 19q13.2.
Variant type: single nucleotide variant.
Coding change: c.838C>T on transcript NM_000709.4 (MANE Select); coding-DNA position 838, C replaced by T.
Protein change: p.Arg280Cys; replaces arginine 280 with cysteine.
Molecular consequence: missense variant.
Genome position (GRCh38, 1-based): chr19:41,422,355, C>T. VCF-style: chr19-41422355-C-T. GRCh37 (hg19) VCF-style: chr19-41928260-C-T.
Other names: c.838C>T, p.Arg280Cys (NM_001164783.2); short protein forms R280C.
Identifiers: ClinVar variation 2048220 (VCV002048220.2), dbSNP rs751539546, ClinGen allele CA9461268.

ClinVar aggregate classification (germline): Uncertain significance (1 of 4 stars; one submission).

Conditions:
Maple syrup urine disease (MSUD). Identifiers: Orphanet 511, MedGen C0024776, MeSH D008375, MONDO:0009563. Disease mechanism: loss of function.

Allele frequency attached by ClinVar (database versions not stated): TOPMed 0.00001; ExAC 0.00002; gnomAD exomes 0.00004.

Submission:

Labcorp Genetics (formerly Invitae), Labcorp
Classification: Uncertain significance for Maple syrup urine disease. Last evaluated: 2024-08-15. Review status: criteria provided, single submitter. Criteria: Invitae Variant Classification Sherloc (09022015). Collection method: clinical testing. Allele origin: germline.
Comment: This sequence change replaces arginine, which is basic and polar, with cysteine, which is neutral and slightly polar, at codon 280 of the BCKDHA protein (p.Arg280Cys). This variant is present in population databases (rs751539546, gnomAD 0.003%). This variant has not been reported in the literature in individuals affected with BCKDHA-related conditions. ClinVar contains an entry for this variant (Variation ID: 2048220). Invitae Evidence Modeling of protein sequence and biophysical properties (such as structural, functional, and spatial information, amino acid conservation, physicochemical variation, residue mobility, and thermodynamic stability) has been performed for this missense variant. However, the output from this modeling did not meet the statistical confidence thresholds required to predict the impact of this variant on BCKDHA protein function. In summary, the available evidence is currently insufficient to determine the role of this variant in disease. Therefore, it has been classified as a Variant of Uncertain Significance.